The following is an entry in ClinVar:

NM_001365951.3(KIF1B):c.2006A>T (p.Lys669Ile)

Gene: KIF1B (kinesin family member 1B; plus strand). Cytogenetic location: 1p36.22.
Variant type: single nucleotide variant.
Coding change: c.2006A>T on transcript NM_001365951.3 (MANE Select); coding-DNA position 2006, A replaced by T.
Protein change: p.Lys669Ile; replaces lysine 669 with isoleucine.
Molecular consequence: missense variant.
Genome position (GRCh38, 1-based): chr1:10,297,041, A>T. VCF-style: chr1-10297041-A-T. GRCh37 (hg19) VCF-style: chr1-10357099-A-T.
Other names: c.2006A>T, p.Lys669Ile (NM_001365952.1); c.1868A>T, p.Lys623Ile (NM_001365953.1, NM_015074.3, NM_183416.4); short protein forms K669I, K623I.
Identifiers: ClinVar variation 1781603 (VCV001781603.2), dbSNP rs764195046, ClinGen allele CA581135.

ClinVar aggregate classification (germline): Uncertain significance (1 of 4 stars; one submission).

Allele frequency attached by ClinVar (database versions not stated): gnomAD exomes below 0.00001; ExAC 0.00001.
gnomAD v4.1: 1 of 1,614,118 alleles (0.000062%); highest among the groups gnomAD compares: Non-Finnish European, 0.000085%; no homozygotes.

Submission:

Ambry Genetics
Classification: Uncertain significance. Last evaluated: 2022-01-21. Review status: criteria provided, single submitter. Criteria: Ambry Variant Classification Scheme 2023. Collection method: clinical testing. Allele origin: germline.
Comment: The p.K623I variant (also known as c.1868A>T), located in coding exon 18 of the KIF1B gene, results from an A to T substitution at nucleotide position 1868. The lysine at codon 623 is replaced by isoleucine, an amino acid with dissimilar properties. This amino acid position is conserved. In addition, the in silico prediction for this alteration is inconclusive. Since supporting evidence is limited at this time, the clinical significance of this alteration remains unclear.